The following is an entry in ClinVar:

NM_001283009.2(RTEL1):c.2197_2198del (p.Arg733fs)

Genes: RTEL1 (regulator of telomere elongation helicase 1; plus strand), RTEL1-TNFRSF6B (RTEL1-TNFRSF6B readthrough (NMD candidate); plus strand). Cytogenetic location: 20q13.33.
Variant type: Deletion.
Coding change: c.2197_2198del on transcript NM_001283009.2 (MANE Select); coding-DNA positions 2197 to 2198, 2 bases deleted (AG; older notation c.2197_2198delAG).
Protein change: p.Arg733fs; shifts the reading frame from arginine 733.
Molecular consequence: frameshift variant. On other transcripts: non-coding transcript variant (1).
Genome position (GRCh38, 1-based): chr20:63,690,142-63,690,143, AG deleted. VCF-style (leftmost placement, unchanged base first): chr20-63690141-CAG-C. GRCh37 (hg19) VCF-style: chr20-62321494-CAG-C.
Other names: c.1528_1529del, p.Arg510fs (NM_001283010.1); c.2197_2198del, p.Arg733fs (NM_016434.4); c.2269_2270del, p.Arg757fs (NM_032957.5); short protein forms R733fs, R757fs, R510fs.
Identifiers: ClinVar variation 1912805 (VCV001912805.6), dbSNP rs2517138758, ClinGen allele CA2580098503.

ClinVar aggregate classification (germline): Pathogenic/Likely pathogenic. Review status: criteria provided, multiple submitters, no conflicts (2 of 4 stars). 2 submissions from 2 submitters: Pathogenic (1); Likely pathogenic (1). Last evaluated 2024-10-01.

Conditions:
Dyskeratosis congenita, autosomal recessive 5 (DKCB5). Identifiers: MedGen C3554656, MONDO:0014076, OMIM 615190.
Pulmonary fibrosis and/or bone marrow failure, Telomere-related, 3. Also called: PULMONARY FIBROSIS AND/OR BONE MARROW FAILURE SYNDROME, TELOMERE-RELATED, 3. Identifiers: Orphanet 2032, MedGen C4225346, MONDO:0014613, OMIM 616373.

Submissions (2):

GeneDx
Classification: Likely pathogenic. Last evaluated: 2024-10-01. Review status: criteria provided, single submitter. Criteria: GeneDx Variant Classification Process June 2021. Collection method: clinical testing. Allele origin: germline. Affected: yes.
Comment: Frameshift variant predicted to result in protein truncation or nonsense mediated decay in a gene for which loss of function is a known mechanism of disease; Not observed at significant frequency in large population cohorts (gnomAD); Has not been previously published as pathogenic or benign to our knowledge

Labcorp Genetics (formerly Invitae), Labcorp
Classification: Pathogenic for Dyskeratosis congenita, autosomal recessive 5; Pulmonary fibrosis and/or bone marrow failure, Telomere-related, 3. Last evaluated: 2022-10-24. Review status: criteria provided, single submitter. Criteria: Invitae Variant Classification Sherloc (09022015). Collection method: clinical testing. Allele origin: germline.
Comment: For these reasons, this variant has been classified as Pathogenic. Algorithms developed to predict the effect of sequence changes on RNA splicing suggest that this variant may disrupt the consensus splice site. This variant has not been reported in the literature in individuals affected with RTEL1-related conditions. This variant is not present in population databases (gnomAD no frequency). This sequence change creates a premature translational stop signal (p.Arg733Glyfs*3) in the RTEL1 gene. It is expected to result in an absent or disrupted protein product. Loss-of-function variants in RTEL1 are known to be pathogenic (PMID: 23453664, 23959892, 25607374).

Literature cited by the submitters: PubMed 23453664 (cited by Labcorp Genetics (formerly Invitae), Labcorp); PubMed 23959892 (cited by Labcorp Genetics (formerly Invitae), Labcorp); PubMed 25607374 (cited by Labcorp Genetics (formerly Invitae), Labcorp).